The following is an entry in ClinVar:

ClinVar aggregate classification (germline): Uncertain significance. Review status: criteria provided, multiple submitters, no conflicts (2 of 4 stars). 6 submissions from 6 submitters: Uncertain significance (6). Last evaluated 2025-08-20.

Conditions:
Mitochondrial DNA depletion syndrome 13. Also called: FBXL4-Related Encephalomyopathic Mitochondrial DNA Depletion Syndrome; Mitochondrial DNA depletion syndrome 13 (encephalomyopathic type). Identifiers: Orphanet 369897, MedGen C3809592, MONDO:0014198, OMIM 615471.

Allele frequency attached by ClinVar (database versions not stated): gnomAD exomes 0.00033 and 0.00077; ExAC 0.00036; gnomAD 0.00046 and 0.00047; TOPMed 0.00046; ESP Exome Variant Server 0.00069.
gnomAD v4.1: 1,186 of 1,613,440 alleles (0.074%); highest among the groups gnomAD compares: Non-Finnish European, 0.095%; 1 homozygote.

Submissions (6):

GeneDx
Classification: Uncertain significance. Last evaluated: 2025-08-20. Review status: criteria provided, single submitter. Criteria: GeneDx Variant Classification Process June 2021. Collection method: clinical testing. Allele origin: germline. Affected: yes.
Comment: Observed with a second variant in the FBXL4 gene on the opposite allele (in trans) in siblings with generalized dystonia, speech impairment and dysphagia (PMID: 38772265); In silico analysis suggests that this missense variant does not alter protein structure/function; This variant is associated with the following publications: (PMID: 31731261, 38772265)

Mayo Clinic Laboratories, Mayo Clinic
Classification: Uncertain significance. Last evaluated: 2025-03-11. Review status: criteria provided, single submitter. Criteria: ACMG Guidelines, 2015. Collection method: clinical testing. Allele origin: germline. Observed: 4 variant alleles.
Comment: BP4_moderate

Blueprint Genetics
Classification: Uncertain significance. Last evaluated: 2024-10-16. Review status: criteria provided, single submitter. Criteria: ACMG Guidelines, 2015. Collection method: clinical testing. Allele origin: germline.

Labcorp Genetics (formerly Invitae), Labcorp
Classification: Uncertain significance. Last evaluated: 2022-08-02. Review status: criteria provided, single submitter. Criteria: Invitae Variant Classification Sherloc (09022015). Collection method: clinical testing. Allele origin: germline.
Comment: This sequence change replaces methionine, which is neutral and non-polar, with threonine, which is neutral and polar, at codon 463 of the FBXL4 protein (p.Met463Thr). This variant is present in population databases (rs146638016, gnomAD 0.06%). This variant has not been reported in the literature in individuals affected with FBXL4-related conditions. ClinVar contains an entry for this variant (Variation ID: 437744). Algorithms developed to predict the effect of missense changes on protein structure and function are either unavailable or do not agree on the potential impact of this missense change (SIFT: "Deleterious"; PolyPhen-2: "Benign"; Align-GVGD: "Class C25"). In summary, the available evidence is currently insufficient to determine the role of this variant in disease. Therefore, it has been classified as a Variant of Uncertain Significance.

Revvity Omics, Revvity
Classification: Uncertain significance for Mitochondrial DNA depletion syndrome 13. Last evaluated: 2022-07-27. Review status: criteria provided, single submitter. Criteria: ACMG Guidelines, 2015. Collection method: clinical testing. Allele origin: germline.

Wong Mito Lab, Molecular and Human Genetics, Baylor College of Medicine
Classification: Uncertain significance for Mitochondrial DNA depletion syndrome 13. Last evaluated: 2017-08-10. Review status: criteria provided, single submitter. Criteria: ACMG Guidelines, 2015. Collection method: reference population. Allele origin: germline.
Comment: The NM_012160.4:c.1388T>C (NP_036292.2:p.Met463Thr) [GRCH38: NC_000006.12:g.98880554A>G] variant in FBXL4 gene is interpretated to be a Uncertain Significance - Conflicting Evidence based on ACMG guidelines (PMID: 25741868). This variant meets one or more of the following evidence codes reported in the ACMG-guideline. PM2:This variant is absent in key population databases. BP4:Computational evidence/predictors indicate no impact on the FBXL4 structure, function, or protein-protein interaction. Based on this evidence code ClinGen Pathogenicity Calculator (PMID:28081714) suggested that the variant is Uncertain Significance - Conflicting Evidence.

Literature cited by the submitters: PubMed 38772265 (cited by Mayo Clinic Laboratories, Mayo Clinic).

NM_001278716.2(FBXL4):c.1388T>C (p.Met463Thr)

Gene: FBXL4 (F-box and leucine rich repeat protein 4; minus strand). Cytogenetic location: 6q16.1.
Variant type: single nucleotide variant.
Coding change: c.1388T>C on transcript NM_001278716.2 (MANE Select); coding-DNA position 1388, T replaced by C.
Protein change: p.Met463Thr; replaces methionine 463 with threonine.
Molecular consequence: missense variant. On other transcripts: non-coding transcript variant (1).
Genome position (GRCh38, 1-based): chr6:98,880,554, A>G on the plus strand (T>C on the coding strand, the complement: FBXL4 is on the minus strand). VCF-style: chr6-98880554-A-G. GRCh37 (hg19) VCF-style: chr6-99328430-A-G.
Other names: p.Met463Thr; c.1388T>C, p.Met463Thr (NM_012160.5); short protein forms M463T.
Identifiers: ClinVar variation 437744 (VCV000437744.12), dbSNP rs146638016, ClinGen allele CA3933463.